The following is an entry in ClinVar:

ClinVar aggregate classification (germline): Uncertain significance (1 of 4 stars; one submission).

Submission:

GeneDx
Classification: Uncertain significance. Last evaluated: 2017-02-13. Review status: criteria provided, single submitter. Criteria: GeneDx Variant Classification (06012015). Collection method: clinical testing. Allele origin: germline. Affected: yes.
Comment: The D179H variant has not been published as a pathogenic variant, nor has it been reported as a benign variant to our knowledge. The D179H variant is not observed in large population cohorts (Lek et al., 2016; 1000 Genomes Consortium et al., 2015; Exome Variant Server). The D179H variant is a non-conservative amino acid substitution, which is likely to impact secondary protein structure as these residues differ in polarity, charge, size and/or other properties. This substitution occurs at a position where amino acids with similar properties to Aspartic acid are tolerated across species. In silico analysis predicts this variant is probably damaging to the protein structure/function. In summary, based on the currently available information, it is unclear whether this variant is a pathogenic variant or a rare benign variant.

NM_001101.5(ACTB):c.535G>C (p.Asp179His)

Gene: ACTB (actin beta; minus strand). Cytogenetic location: 7p22.1.
Variant type: single nucleotide variant.
Coding change: c.535G>C on transcript NM_001101.5 (MANE Select); coding-DNA position 535, G replaced by C.
Protein change: p.Asp179His; replaces aspartic acid 179 with histidine.
Molecular consequence: missense variant.
Genome position (GRCh38, 1-based): chr7:5,528,548, C>G on the plus strand (G>C on the coding strand, the complement: ACTB is on the minus strand). VCF-style: chr7-5528548-C-G. GRCh37 (hg19) VCF-style: chr7-5568179-C-G.
Other names: c.535G>C (LRG_132t1); short protein forms D179H.
Identifiers: ClinVar variation 423458 (VCV000423458.2), dbSNP rs1064796439, ClinGen allele CA16618481.